The following is an entry in ClinVar:

ClinVar aggregate classification (germline): Uncertain significance (1 of 4 stars; one submission).

gnomAD v4.1: 1 of 1,614,070 alleles (0.000062%); highest among the groups gnomAD compares: Non-Finnish European, 0.000085%; no homozygotes.

Submission:

Labcorp Genetics (formerly Invitae), Labcorp
Classification: Uncertain significance. Last evaluated: 2025-08-26. Review status: criteria provided, single submitter. Criteria: Invitae Variant Classification Sherloc (09022015). Collection method: clinical testing. Allele origin: germline.
Comment: This sequence change replaces serine, which is neutral and polar, with threonine, which is neutral and polar, at codon 707 of the MYLK3 protein (p.Ser707Thr). This variant is not present in population databases (gnomAD no frequency). This variant has not been reported in the literature in individuals affected with MYLK3-related conditions. An algorithm developed to predict the effect of missense changes on protein structure and function (PolyPhen-2) suggests that this variant is likely to be disruptive. Algorithms developed to predict the effect of sequence changes on RNA splicing suggest that this variant may create or strengthen a splice site. In summary, the available evidence is currently insufficient to determine the role of this variant in disease. Therefore, it has been classified as a Variant of Uncertain Significance.

NM_182493.3(MYLK3):c.2120G>C (p.Ser707Thr)

Gene: MYLK3 (myosin light chain kinase 3; minus strand). Cytogenetic location: 16q11.2.
Variant type: single nucleotide variant.
Coding change: c.2120G>C on transcript NM_182493.3 (MANE Select); coding-DNA position 2120, G replaced by C.
Protein change: p.Ser707Thr; replaces serine 707 with threonine.
Molecular consequence: missense variant.
Genome position (GRCh38, 1-based): chr16:46,710,784, C>G on the plus strand (G>C on the coding strand, the complement: MYLK3 is on the minus strand). VCF-style: chr16-46710784-C-G. GRCh37 (hg19) VCF-style: chr16-46744696-C-G.
Other names: c.1097G>C, p.Ser366Thr (NM_001308301.1); short protein forms S366T, S707T.
Identifiers: ClinVar variation 4809647 (VCV004809647.1).